The following is an entry in ClinVar:

ClinVar aggregate classification (germline): Uncertain significance (1 of 4 stars; one submission).

Conditions:
Breast-ovarian cancer, familial, susceptibility to, 2 (BROVCA2). Also called: BRCA2 Hereditary Breast and Ovarian Cancer. Identifiers: Orphanet 145, MedGen C2675520, MONDO:0012933, OMIM 612555. Disease mechanism: loss of function.

Submission:

All of Us Research Program, National Institutes of Health
Classification: Uncertain significance for Breast-ovarian cancer, familial, susceptibility to, 2. Last evaluated: 2023-04-10. Review status: criteria provided, single submitter. Criteria: ACMG Guidelines, 2015. Collection method: clinical testing. Allele origin: germline. Inheritance: Autosomal dominant inheritance. Observed: 1 variant allele, 1 heterozygote.
Comment: This missense variant replaces asparagine with isoleucine at codon 1287 of the BRCA2 protein. Computational prediction suggests that this variant may not impact protein structure and function (internally defined REVEL score threshold <= 0.5, PMID: 27666373). To our knowledge, functional studies have not been reported for this variant. This variant has not been reported in individuals affected with hereditary cancer in the literature. This variant has not been identified in the general population by the Genome Aggregation Database (gnomAD). The available evidence is insufficient to determine the role of this variant in disease conclusively. Therefore, this variant is classified as a Variant of Uncertain Significance.

This study involves interpretation of variants in research participants for the purpose of population health screening. Participant phenotype was not available at the time of variant classification. Additional details can be found in publication PMID: 35346344, PMCID: PMC8962531

NM_000059.4(BRCA2):c.3860A>T (p.Asn1287Ile)

Gene: BRCA2 (BRCA2 DNA repair associated; plus strand). Cytogenetic location: 13q13.1.
Variant type: single nucleotide variant.
Coding change: c.3860A>T on transcript NM_000059.4 (MANE Select); coding-DNA position 3860, A replaced by T.
Protein change: p.Asn1287Ile; replaces asparagine 1287 with isoleucine.
Molecular consequence: missense variant. On other transcripts: non-coding transcript variant (1), intron variant (2).
Genome position (GRCh38, 1-based): chr13:32,338,215, A>T. VCF-style: chr13-32338215-A-T. GRCh37 (hg19) VCF-style: chr13-32912352-A-T.
Other names: c.3860A>T, p.Asn1287Ile (NM_001406719.1, NM_001406720.1); c.1909+4828A>T (NM_001406721.1); c.425-6343A>T (NM_001406722.1); short protein forms N1287I.
Identifiers: ClinVar variation 3075625 (VCV003075625.1), dbSNP rs2137500722, ClinGen allele CA387778657.